The following is an entry in ClinVar:

ClinVar aggregate classification (germline): Pathogenic (1 of 4 stars; one submission).

Conditions:
Joubert syndrome. Also called: CEREBELLOPARENCHYMAL DISORDER IV; JOUBERT-BOLTSHAUSER SYNDROME; Familial aplasia of the vermis. Identifiers: Orphanet 475, MedGen C5979921, MONDO:0018772.
Meckel-Gruber syndrome. Also called: DYSENCEPHALIA SPLANCHNOCYSTICA; GRUBER SYNDROME; Dysencephalia splachnocystica. Identifiers: Orphanet 564, MedGen C0265215, MONDO:0018921.

gnomAD v4.1: 2 of 1,538,182 alleles (0.00013%); highest among the groups gnomAD compares: Non-Finnish European, 0.00018%; no homozygotes.

Submission:

Labcorp Genetics (formerly Invitae), Labcorp
Classification: Pathogenic for Joubert syndrome; Meckel-Gruber syndrome. Last evaluated: 2021-11-02. Review status: criteria provided, single submitter. Criteria: Invitae Variant Classification Sherloc (09022015). Collection method: clinical testing. Allele origin: germline.
Comment: This sequence change affects a donor splice site in intron 2 of the TMEM67 gene. It is expected to disrupt RNA splicing. Variants that disrupt the donor or acceptor splice site typically lead to a loss of protein function (PMID: 16199547), and loss-of-function variants in TMEM67 are known to be pathogenic (PMID: 20232449, 23559409). This variant is not present in population databases (gnomAD no frequency). Disruption of this splice site has been observed in individual(s) with clinical features of Joubert syndrome (Invitae). For these reasons, this variant has been classified as Pathogenic.

Literature cited by the submitters: PubMed 16199547; PubMed 20232449; PubMed 23559409.

NM_153704.6(TMEM67):c.312+2T>G

Gene: TMEM67 (transmembrane protein 67; plus strand). Cytogenetic location: 8q22.1.
Variant type: single nucleotide variant.
Coding change: c.312+2T>G on transcript NM_153704.6 (MANE Select); the canonical splice donor site of the intron after coding-DNA position 312, T replaced by G.
Molecular consequence: splice donor variant. On other transcripts: intron variant (1).
Genome position (GRCh38, 1-based): chr8:93,755,868, T>G. VCF-style: chr8-93755868-T-G. GRCh37 (hg19) VCF-style: chr8-94768096-T-G.
Other names: c.-62+731T>G (NM_001142301.1).
Identifiers: ClinVar variation 1394423 (VCV001394423.6), dbSNP rs2130528812, ClinGen allele CA371685722.